The following is an entry in ClinVar:

NR_023343.3(RNU4ATAC):n.99T>C

Genes: CLASP1 (cytoplasmic linker associated protein 1; minus strand), CLASP1-AS1 (CLASP1 antisense RNA 1; plus strand), RNU4ATAC (RNA, U4atac small nuclear; plus strand). Cytogenetic location: 2q14.2.
Variant type: single nucleotide variant.
Molecular consequence: intron variant (on NM_001395891.1).
Genome position: GRCh38 VCF-style: chr2-121530978-T-C. GRCh37 (hg19) VCF-style: chr2-122288554-T-C.
Other names: c.196-653A>G (NM_001142274.2, NM_015282.3, NM_001378003.1 and 5 more transcripts).
Identifiers: ClinVar variation 1018042 (VCV001018042.10), dbSNP rs145446412, ClinGen allele CA1854737.
Genomic context (GRCh38, chr2:121,530,978, plus strand): 5'-GCGCATAGTGAGGGCAGTACTGCTAACGCCTGAACAACACACCCGCATCAACTAGAGCTT[T>C]TGCTTTATTTTGGTGCAATTTTTGGAAAAATGAAAACCTGTTTTCATAGACTTATCAGTT-3'

ClinVar aggregate classification (germline): Conflicting classifications of pathogenicity. Review status: criteria provided, conflicting classifications (1 of 4 stars). 4 submissions from 4 submitters: Uncertain significance (1); Benign (1); Likely benign (1). 1 of the submissions does not count toward it. Last evaluated 2026-01-19.

Conditions:
RNU4ATAC-related disorder. Also called: RNU4ATAC-related condition.

Allele frequency attached by ClinVar (database versions not stated): gnomAD 0.00028 and 0.00029; gnomAD exomes 0.00037 and 0.00060; ExAC 0.00046; 1000 Genomes Project 30x 0.00062; TOPMed 0.00063; 1000 Genomes Project 0.00080.
gnomAD v4.1: 271 of 700,440 alleles (0.039%); highest among the groups gnomAD compares: Middle Eastern, 0.66%; 1 homozygote.

Submissions (4):

Labcorp Genetics (formerly Invitae), Labcorp
Classification: Benign. Last evaluated: 2026-01-19. Review status: criteria provided, single submitter. Criteria: Invitae Variant Classification Sherloc (09022015). Collection method: clinical testing. Allele origin: germline.

Blueprint Genetics
Classification: Likely benign. Last evaluated: 2024-10-17. Review status: criteria provided, single submitter. Criteria: ACMG Guidelines, 2015. Collection method: clinical testing. Allele origin: germline.

Breakthrough Genomics
Classification: Uncertain significance. Review status: criteria provided, single submitter. Criteria: ACMG Guidelines, 2015. Collection method: not provided. Allele origin: germline. Inheritance: Unknown mechanism. Affected: yes.

PreventionGenetics, part of Exact Sciences
Classification: Uncertain significance for RNU4ATAC-related condition. Last evaluated: 2024-08-13. Review status: no assertion criteria provided. Collection method: clinical testing. Allele origin: germline. Not counted in ClinVar's aggregate classification.
Comment: The RNU4ATAC n.99T>C is a noncoding alteration. To our knowledge, this variant has not been reported in the literature. This variant is reported in 0.14% of alleles in individuals of Latino descent in gnomAD. Although we suspect that this variant may be benign, at this time, the clinical significance of this variant is uncertain due to the absence of conclusive functional and genetic evidence.